The following is an entry in ClinVar:

NM_003718.5(CDK13):c.1004T>C (p.Leu335Pro)

Gene: CDK13 (cyclin dependent kinase 13; plus strand). Cytogenetic location: 7p14.1.
Variant type: single nucleotide variant.
Coding change: c.1004T>C on transcript NM_003718.5 (MANE Select); coding-DNA position 1004, T replaced by C.
Protein change: p.Leu335Pro; replaces leucine 335 with proline.
Molecular consequence: missense variant.
Genome position (GRCh38, 1-based): chr7:39,951,645, T>C. VCF-style: chr7-39951645-T-C. GRCh37 (hg19) VCF-style: chr7-39991244-T-C.
Other names: c.1004T>C, p.Leu335Pro (NM_031267.4); short protein forms L335P.
Identifiers: ClinVar variation 4074629 (VCV004074629.1).

ClinVar aggregate classification (germline): Uncertain significance (1 of 4 stars; one submission).

Submission:

GeneDx
Classification: Uncertain significance. Last evaluated: 2025-02-11. Review status: criteria provided, single submitter. Criteria: GeneDx Variant Classification Process June 2021. Collection method: clinical testing. Allele origin: germline. Affected: yes.
Comment: Not observed at significant frequency in large population cohorts (gnomAD); In silico analysis indicates that this missense variant does not alter protein structure/function; Has not been previously published as pathogenic or benign to our knowledge